The following is an entry in ClinVar:

NM_001375524.1(TRRAP):c.7724G>A (p.Gly2575Glu)

Gene: TRRAP (transformation/transcription domain associated protein; plus strand). Cytogenetic location: 7q22.1.
Variant type: single nucleotide variant.
Coding change: c.7724G>A on transcript NM_001375524.1 (MANE Select); coding-DNA position 7724, G replaced by A.
Protein change: p.Gly2575Glu; replaces glycine 2575 with glutamic acid.
Molecular consequence: missense variant.
Genome position (GRCh38, 1-based): chr7:98,971,830, G>A. VCF-style: chr7-98971830-G-A. GRCh37 (hg19) VCF-style: chr7-98569453-G-A.
Other names: c.7703G>A, p.Gly2568Glu (NM_001244580.2); c.7649G>A, p.Gly2550Glu (NM_003496.4); short protein forms G2550E, G2568E, G2575E.
Identifiers: ClinVar variation 1721420 (VCV001721420.5), dbSNP rs1792432540, ClinGen allele CA368298074.
Genomic context (GRCh38, chr7:98,971,830, plus strand): 5'-TTGGTTTTGCTTGCTGCTTTGTTTCTTAGGATGTAGAGATAGACATCGAACTAGCTCCTG[G>A]GGATCAGACCAGCACGCCCAAAACCAAAGAACTTTCAGAAAAGGACATTGGAAACCAGCT-3'
Protein context (NP_001362453.1, residues 2565-2585): DVEIDIELAP[Gly2575Glu]DQTSTPKTKE

ClinVar aggregate classification (germline): Uncertain significance (1 of 4 stars; one submission).

Submission:

Labcorp Genetics (formerly Invitae), Labcorp
Classification: Uncertain significance. Last evaluated: 2022-10-10. Review status: criteria provided, single submitter. Criteria: Invitae Variant Classification Sherloc (09022015). Collection method: clinical testing. Allele origin: germline.
Comment: In summary, the available evidence is currently insufficient to determine the role of this variant in disease. Therefore, it has been classified as a Variant of Uncertain Significance. Algorithms developed to predict the effect of missense changes on protein structure and function are either unavailable or do not agree on the potential impact of this missense change (SIFT: "Deleterious"; PolyPhen-2: "Benign"; Align-GVGD: "Class C0"). This variant has not been reported in the literature in individuals affected with TRRAP-related conditions. This variant is not present in population databases (gnomAD no frequency). This sequence change replaces glycine, which is neutral and non-polar, with glutamic acid, which is acidic and polar, at codon 2550 of the TRRAP protein (p.Gly2550Glu).